The following is an entry in ClinVar:

NM_033087.4(ALG2):c.434C>T (p.Thr145Ile)

Gene: ALG2 (ALG2 alpha-1,3/1,6-mannosyltransferase; minus strand). Cytogenetic location: 9q22.33.
Variant type: single nucleotide variant.
Coding change: c.434C>T on transcript NM_033087.4 (MANE Select); coding-DNA position 434, C replaced by T.
Protein change: p.Thr145Ile; replaces threonine 145 with isoleucine.
Molecular consequence: missense variant. On other transcripts: non-coding transcript variant (1).
Genome position (GRCh38, 1-based): chr9:99,218,751, G>A on the plus strand (C>T on the coding strand, the complement: ALG2 is on the minus strand). VCF-style: chr9-99218751-G-A. GRCh37 (hg19) VCF-style: chr9-101981033-G-A.
Other names: short protein forms T145I.
Identifiers: ClinVar variation 1047589 (VCV001047589.8), dbSNP rs752746581, ClinGen allele CA5156324.

ClinVar aggregate classification (germline): Uncertain significance (1 of 4 stars; one submission).

Conditions:
Congenital myasthenic syndrome 14. Also called: Myasthenic syndrome, congenital, 14, with tubular aggregates. Identifiers: Orphanet 353327, Orphanet 590, MedGen C4015597, MONDO:0014543, OMIM 616228.
Congenital disorder of glycosylation, type Ii. Also called: ALG2-CDG; CDG Ii; ALG2-congenital disorder of glycosylation. Identifiers: Orphanet 79326, MedGen C1842836, MONDO:0011933, OMIM 607906.

Allele frequency attached by ClinVar (database versions not stated): ExAC 0.00002; gnomAD exomes 0.00001.

Submission:

Labcorp Genetics (formerly Invitae), Labcorp
Classification: Uncertain significance for Congenital disorder of glycosylation, type Ii; Congenital myasthenic syndrome 14. Last evaluated: 2022-07-25. Review status: criteria provided, single submitter. Criteria: Invitae Variant Classification Sherloc (09022015). Collection method: clinical testing. Allele origin: germline.
Comment: In summary, the available evidence is currently insufficient to determine the role of this variant in disease. Therefore, it has been classified as a Variant of Uncertain Significance. Algorithms developed to predict the effect of missense changes on protein structure and function are either unavailable or do not agree on the potential impact of this missense change (SIFT: "Deleterious"; PolyPhen-2: "Possibly Damaging"; Align-GVGD: "Class C0"). ClinVar contains an entry for this variant (Variation ID: 1047589). This variant has not been reported in the literature in individuals affected with ALG2-related conditions. This variant is present in population databases (rs752746581, gnomAD 0.01%). This sequence change replaces threonine, which is neutral and polar, with isoleucine, which is neutral and non-polar, at codon 145 of the ALG2 protein (p.Thr145Ile).